The following is an entry in ClinVar:

ClinVar aggregate classification (germline): Uncertain significance (1 of 4 stars; one submission).

Conditions:
Hereditary attention deficit-hyperactivity disorder. Also called: HYPERACTIVITY OF CHILDHOOD. Identifiers: MedGen CN324066, MONDO:0100518, OMIM 143465.

gnomAD v4.1: 2 of 1,525,082 alleles (0.00013%); highest among the groups gnomAD compares: Non-Finnish European, 0.00017%; no homozygotes.

Submission:

Clinical Genomics Laboratory, Washington University in St. Louis
Classification: Uncertain significance for Hereditary attention deficit-hyperactivity disorder. Last evaluated: 2023-12-11. Review status: criteria provided, single submitter. Criteria: ACMG Guidelines, 2015. Collection method: clinical testing. Allele origin: germline.
Comment: The DRD4 c.485T>C (p.Leu162Arg) variant, to our knowledge, has not been reported in the medical literature and is absent from the general population (gnomAD v.2.1.1), indicating it is not a common variant. Computational predictors indicate that the variant is damaging, evidence that correlates with impact to DRD4 function. Due to limited information, and based on ACMG/AMP guidelines for variant interpretation (Richards S et al., PMID: 25741868), the clinical significance of this variant is uncertain at this time.

NM_000797.4(DRD4):c.485T>G (p.Leu162Arg)

Gene: DRD4 (dopamine receptor D4; plus strand). Cytogenetic location: 11p15.5.
Variant type: single nucleotide variant.
Coding change: c.485T>G on transcript NM_000797.4 (MANE Select); coding-DNA position 485, T replaced by G.
Protein change: p.Leu162Arg; replaces leucine 162 with arginine.
Molecular consequence: missense variant.
Genome position (GRCh38, 1-based): chr11:639,734, T>G. VCF-style: chr11-639734-T-G. GRCh37 (hg19) VCF-style: chr11-639734-T-G.
Other names: short protein forms L162R.
Identifiers: ClinVar variation 3236631 (VCV003236631.1), dbSNP rs1370276664, ClinGen allele CA379007015.
Genomic context (GRCh38, chr11:639,734, plus strand): 5'-GCTACAACCGGCAGGGTGGGAGCCGCCGGCAGCTGCTGCTCATCGGCGCCACGTGGCTGC[T>G]GTCCGCGGCGGTGGCGGCGCCCGTACTGTGCGGCCTCAACGACGTGCGCGGCCGCGACCC-3'
Protein context (NP_000788.2, residues 152-172): QLLLIGATWL[Leu162Arg]SAAVAAPVLC